The following is an entry in ClinVar:

ClinVar aggregate classification (germline): Uncertain significance (1 of 4 stars; one submission).

Allele frequency attached by ClinVar (database versions not stated): gnomAD 0.00002; gnomAD exomes 0.00002 and 0.00006; TOPMed 0.00002; ExAC 0.00004.
gnomAD v4.1: 29 of 1,614,018 alleles (0.0018%); highest among the groups gnomAD compares: Admixed American, 0.018%; no homozygotes.

Submission:

Labcorp Genetics (formerly Invitae), Labcorp
Classification: Uncertain significance. Last evaluated: 2024-12-09. Review status: criteria provided, single submitter. Criteria: Invitae Variant Classification Sherloc (09022015). Collection method: clinical testing. Allele origin: germline.
Comment: This sequence change replaces lysine, which is basic and polar, with glutamic acid, which is acidic and polar, at codon 220 of the NSMCE3 protein (p.Lys220Glu). This variant is present in population databases (rs752302932, gnomAD 0.03%). This variant has not been reported in the literature in individuals affected with NSMCE3-related conditions. ClinVar contains an entry for this variant (Variation ID: 1410985). Invitae Evidence Modeling of protein sequence and biophysical properties (such as structural, functional, and spatial information, amino acid conservation, physicochemical variation, residue mobility, and thermodynamic stability) indicates that this missense variant is not expected to disrupt NSMCE3 protein function with a negative predictive value of 80%. In summary, the available evidence is currently insufficient to determine the role of this variant in disease. Therefore, it has been classified as a Variant of Uncertain Significance.

NM_138704.4(NSMCE3):c.658A>G (p.Lys220Glu)

Genes: ENTREP2 (endosomal transmembrane epsin interactor 2; minus strand), NSMCE3 (NSE3 component of SMC5/6 complex; minus strand). Cytogenetic location: 15q13.1.
Variant type: single nucleotide variant.
Coding change: c.658A>G on transcript NM_138704.4 (MANE Select); coding-DNA position 658, A replaced by G.
Protein change: p.Lys220Glu; replaces lysine 220 with glutamic acid.
Molecular consequence: missense variant. On other transcripts: intron variant (5).
Genome position (GRCh38, 1-based): chr15:29,269,048, T>C on the plus strand (A>G on the coding strand, the complement: NSMCE3 is on the minus strand). VCF-style: chr15-29269048-T-C. GRCh37 (hg19) VCF-style: chr15-29561252-T-C.
Other names: c.-12-16570A>G (NM_001387217.1, NM_001387215.1, NM_001387216.1); c.277-16570A>G (NM_001387214.1, NM_015307.2); short protein forms K220E.
Identifiers: ClinVar variation 1410985 (VCV001410985.6), dbSNP rs752302932, ClinGen allele CA7446077.